The following is an entry in ClinVar:

NM_001447.3(FAT2):c.1713G>T (p.Gly571=)

Gene: FAT2 (FAT atypical cadherin 2; minus strand). Cytogenetic location: 5q33.1.
Variant type: single nucleotide variant.
Coding change: c.1713G>T on transcript NM_001447.3 (MANE Select); coding-DNA position 1713, G replaced by T.
Protein change: p.Gly571=; no amino-acid change (glycine 571 retained).
Molecular consequence: synonymous variant.
Genome position (GRCh38, 1-based): chr5:151,567,219, C>A on the plus strand (G>T on the coding strand, the complement: FAT2 is on the minus strand). VCF-style: chr5-151567219-C-A. GRCh37 (hg19) VCF-style: chr5-150946780-C-A.
Identifiers: ClinVar variation 1272878 (VCV001272878.8), dbSNP rs35225143, ClinGen allele CA3522205.

ClinVar aggregate classification (germline): Benign. Review status: criteria provided, multiple submitters, no conflicts (2 of 4 stars). 3 submissions from 3 submitters: Benign (2). 1 of the submissions does not count toward it. Last evaluated 2026-01-28.

Conditions:
FAT2-related disorder. Also called: FAT2-related condition.

Allele frequency attached by ClinVar (database versions not stated): 1000 Genomes Project 30x 0.02186; gnomAD exomes 0.05016; gnomAD 0.05140 and 0.05308; ESP Exome Variant Server 0.05836; 1000 Genomes Project 0.02097; TOPMed 0.04843; ExAC 0.05126.
gnomAD v4.1: 110,322 of 1,613,834 alleles (6.8%); highest among the groups gnomAD compares: Non-Finnish European, 8.1%; 4,328 homozygotes.

Submissions (3):

Labcorp Genetics (formerly Invitae), Labcorp
Classification: Benign. Last evaluated: 2026-01-28. Review status: criteria provided, single submitter. Criteria: Invitae Variant Classification Sherloc (09022015). Collection method: clinical testing. Allele origin: germline.

GeneDx
Classification: Benign. Last evaluated: 2021-05-04. Review status: criteria provided, single submitter. Criteria: GeneDx Variant Classification Process June 2021. Collection method: clinical testing. Allele origin: germline. Affected: yes.

PreventionGenetics, part of Exact Sciences
Classification: Benign for FAT2-related condition. Last evaluated: 2020-01-02. Review status: no assertion criteria provided. Collection method: clinical testing. Allele origin: germline. Not counted in ClinVar's aggregate classification.
Comment: This variant is classified as benign based on ACMG/AMP sequence variant interpretation guidelines (Richards et al. 2015 PMID: 25741868, with internal and published modifications).